The following is an entry in ClinVar:

NM_000021.4(PSEN1):c.1225G>A (p.Ala409Thr)

Gene: PSEN1 (presenilin 1; plus strand). Cytogenetic location: 14q24.2.
Variant type: single nucleotide variant.
Coding change: c.1225G>A on transcript NM_000021.4 (MANE Select); coding-DNA position 1225, G replaced by A.
Protein change: p.Ala409Thr; replaces alanine 409 with threonine.
Molecular consequence: missense variant.
Genome position (GRCh38, 1-based): chr14:73,217,221, G>A. VCF-style: chr14-73217221-G-A. GRCh37 (hg19) VCF-style: chr14-73683929-G-A.
Other names: c.1213G>A, p.Ala405Thr (NM_007318.3); short protein forms A409T, A405T.
Identifiers: ClinVar variation 98109 (VCV000098109.12), dbSNP rs63750227, ClinGen allele CA225173.

ClinVar aggregate classification (germline): Conflicting classifications of pathogenicity. Review status: criteria provided, conflicting classifications (1 of 4 stars). 4 submissions from 4 submitters: Likely pathogenic (2); Uncertain significance (1). 1 of the submissions does not count toward it. Last evaluated 2024-08-09.

Conditions:
Alzheimer disease 3 (AD3). Also called: ALZHEIMER DISEASE, FAMILIAL, 3. Identifiers: Orphanet 1020, MedGen C1843013, MONDO:0011913, OMIM 607822.
Acne inversa, familial, 3 (ACNINV3). Identifiers: MedGen C3151038, MONDO:0013398, OMIM 613737.
Frontotemporal dementia (FTD1). Also called: Frontotemporal Dementia with Parkinsonism-17 (FTDP-17); FRONTOTEMPORAL DEMENTIA WITH PARKINSONISM; FRONTOTEMPORAL LOBE DEMENTIA; MULTIPLE SYSTEM TAUOPATHY WITH PRESENILE DEMENTIA; Dementia, frontotemporal, with or without parkinsonism; WILHELMSEN-LYNCH DISEASE. Identifiers: Orphanet 282, MedGen C0338451, MONDO:0017276, OMIM 600274, HP:0002145.
Pick disease. Also called: PICK DISEASE OF BRAIN; DEMENTIA WITH LOBAR ATROPHY AND NEURONAL CYTOPLASMIC INCLUSIONS; LOBAR ATROPHY OF BRAIN; Pick's disease; Pick Disease of the Brain. Identifiers: Orphanet 282, MedGen C0236642, MONDO:0008243, OMIM 172700.

Allele frequency attached by ClinVar (database versions not stated): gnomAD 0.00001; gnomAD exomes 0.00001; TOPMed 0.00001.
gnomAD v4.1: 10 of 1,614,000 alleles (0.00062%); highest among the groups gnomAD compares: Non-Finnish European, 0.00085%; no homozygotes.

Submissions (4):

Women's Health and Genetics/Laboratory Corporation of America, LabCorp
Classification: Likely pathogenic for Alzheimer disease 3. Last evaluated: 2024-08-09. Review status: criteria provided, single submitter. Criteria: LabCorp Variant Classification Summary - May 2015. Collection method: clinical testing. Allele origin: germline.
Comment: Variant summary: PSEN1 c.1225G>A (p.Ala409Thr) results in a non-conservative amino acid change in the encoded protein sequence. Four of five in-silico tools predict a damaging effect of the variant on protein function. The variant was absent in 251460 control chromosomes. c.1225G>A has been reported in the literature in at least two individuals affected with Alzheimer Disease, Type 3 (Aldudo_1999, Nicolas_2024). These data indicate that the variant may be associated with disease. At least one publication reports experimental evidence evaluating an impact on protein function. The most pronounced variant effect results in significant reduction in A42 and A40 production and A42/A40 ratios (Sun_2016). The following publications have been ascertained in the context of this evaluation (PMID: 10533070, 38281098, 28985224, 27930341). ClinVar contains an entry for this variant (Variation ID: 98109). Based on the evidence outlined above, the variant was classified as likely pathogenic.

Labcorp Genetics (formerly Invitae), Labcorp
Classification: Uncertain significance for Alzheimer disease 3; Pick disease; Acne inversa, familial, 3; Frontotemporal dementia. Last evaluated: 2018-10-16. Review status: criteria provided, single submitter. Criteria: Invitae Variant Classification Sherloc (09022015). Collection method: clinical testing. Allele origin: germline.
Comment: In summary, the available evidence is currently insufficient to determine the role of this variant in disease. Therefore, it has been classified as a Variant of Uncertain Significance. Experimental studies have shown that this missense change results in decreased Aβ40 and Aβ42 peptide production compared to wild-type (PMID: 27930341). This variant has been observed in an individual affected with early onset Alzheimer disease (PMID: 10533070). ClinVar contains an entry for this variant (Variation ID: 98109). This variant is not present in population databases (ExAC no frequency). This sequence change replaces alanine with threonine at codon 409 of the PSEN1 protein (p.Ala409Thr). The alanine residue is highly conserved and there is a small physicochemical difference between alanine and threonine.

GeneDx
Classification: Likely pathogenic. Last evaluated: 2017-04-10. Review status: criteria provided, single submitter. Criteria: GeneDx Variant Classification (06012015). Collection method: clinical testing. Allele origin: germline. Affected: yes.
Comment: The A409T variant is not observed in large population cohorts (Lek et al., 2016; 1000 Genomes Consortium et al., 2015; Exome Variant Server). The A409T variant is a non-conservative amino acid substitution, which is likely to impact secondary protein structure as these residues differ in polarity, charge, size and/or other properties. This substitution occurs at a position that is conserved across species. In silico analysis predicts this variant is probably damaging to the protein structure/function. Missense variants in nearby residues (N405S, I408T, C410Y, V412I) have been reported in the Human Gene Mutation Database in association with PSEN1-related disorders (Stenson et al., 2014), supporting the functional importance of this region of the protein. Therefore, we interpret A409T as a likely pathogenic variant.

VIB  Department of Molecular Genetics, University of Antwerp
No classification provided. Review status: no classification provided. Collection method: not provided. Allele origin: unknown. Not counted in ClinVar's aggregate classification.

Literature cited by the submitters: PubMed 27930341 (cited by Women's Health and Genetics/Laboratory Corporation of America, LabCorp and Labcorp Genetics (formerly Invitae), Labcorp); PubMed 28985224 (cited by Women's Health and Genetics/Laboratory Corporation of America, LabCorp); PubMed 10533070 (cited by Women's Health and Genetics/Laboratory Corporation of America, LabCorp and Labcorp Genetics (formerly Invitae), Labcorp); PubMed 38281098 (cited by Women's Health and Genetics/Laboratory Corporation of America, LabCorp).